The following is an entry in ClinVar:

ClinVar aggregate classification (germline): Likely benign. Review status: criteria provided, multiple submitters, no conflicts (2 of 4 stars). 3 submissions from 3 submitters: Likely benign (2). 1 of the submissions does not count toward it. Last evaluated 2026-09-01.

Conditions:
CHAMP1-related disorder. Also called: CHAMP1-related condition.

Submissions (3):

CeGaT Center for Human Genetics Tuebingen
Classification: Likely benign. Last evaluated: 2026-09-01. Review status: criteria provided, single submitter. Criteria: CeGaT Center For Human Genetics Tuebingen Variant Classification Criteria Version 2. Collection method: clinical testing. Allele origin: germline. Affected: yes. Observed: 17 variant alleles.
Comment: CHAMP1: PM4:Supporting, BS1

Labcorp Genetics (formerly Invitae), Labcorp
Classification: Likely benign. Last evaluated: 2019-12-31. Review status: criteria provided, single submitter. Criteria: Invitae Variant Classification Sherloc (09022015). Collection method: clinical testing. Allele origin: germline.

PreventionGenetics, part of Exact Sciences
Classification: Likely benign for CHAMP1-related condition. Last evaluated: 2019-05-24. Review status: no assertion criteria provided. Collection method: clinical testing. Allele origin: germline. Not counted in ClinVar's aggregate classification.
Comment: This variant is classified as likely benign based on ACMG/AMP sequence variant interpretation guidelines (Richards et al. 2015 PMID: 25741868, with internal and published modifications).

NM_032436.4(CHAMP1):c.520_522del (p.Pro174del)

Gene: CHAMP1 (chromosome alignment maintaining phosphoprotein 1; plus strand). Cytogenetic location: 13q34.
Variant type: Deletion.
Coding change: c.520_522del on transcript NM_032436.4 (MANE Select); coding-DNA positions 520 to 522, 3 bases deleted (CCT; older notation c.520_522delCCT).
Protein change: p.Pro174del; deletes proline 174.
Molecular consequence: inframe deletion.
Genome position (GRCh38, 1-based): chr13:114,324,362-114,324,364, CCT deleted; deleting any 3 consecutive bases within chr13:114,324,360-114,324,364 gives the same sequence; the c. name uses the placement nearest the transcript's 3' end. VCF-style (leftmost placement, unchanged base first): chr13-114324359-TCTC-T. GRCh37 (hg19) VCF-style: chr13-115089834-TCTC-T.
Other names: c.520_522del, p.Pro174del (NM_001164144.3, NM_001164145.3); c.520_522delCCT (NM_001164145.2); short protein forms P174del.
Identifiers: ClinVar variation 731051 (VCV000731051.33), dbSNP rs535593712, ClinGen allele CA7070633.